The following is an entry in ClinVar:

ClinVar aggregate classification (germline): Uncertain significance (1 of 4 stars; one submission).

Conditions:
Hereditary cancer-predisposing syndrome. Also called: Hereditary Cancer Syndrome; Hereditary neoplastic syndrome; Neoplastic Syndromes, Hereditary; Tumor predisposition. Identifiers: Orphanet 140162, MedGen C0027672, MeSH D009386, MONDO:0015356.

Allele frequency attached by ClinVar (database versions not stated): gnomAD exomes below 0.00001.
gnomAD v4.1: 1 of 1,614,148 alleles (0.000062%); highest among the groups gnomAD compares: Non-Finnish European, 0.000085%; no homozygotes.

Submission:

Ambry Genetics
Classification: Uncertain significance for Hereditary cancer-predisposing syndrome. Last evaluated: 2026-08-25. Review status: criteria provided, single submitter. Criteria: Ambry Variant Classification Scheme 2023. Collection method: clinical testing. Allele origin: germline.
Comment: The p.G132S variant (also known as c.394G>A), located in coding exon 4 of the TSC1 gene, results from a G to A substitution at nucleotide position 394. The glycine at codon 132 is replaced by serine, an amino acid with similar properties. This amino acid position is conserved. In addition, this alteration is predicted to be deleterious by in silico analysis. Based on the available evidence, the clinical significance of this variant remains unclear.

NM_000368.5(TSC1):c.394G>A (p.Gly132Ser)

Gene: TSC1 (TSC complex subunit 1; minus strand). Cytogenetic location: 9q34.13.
Variant type: single nucleotide variant.
Coding change: c.394G>A on transcript NM_000368.5 (MANE Select); coding-DNA position 394, G replaced by A.
Protein change: p.Gly132Ser; replaces glycine 132 with serine.
Molecular consequence: missense variant. On other transcripts: 5 prime UTR variant (5), non-coding transcript variant (5).
Genome position (GRCh38, 1-based): chr9:132,923,462, C>T on the plus strand (G>A on the coding strand, the complement: TSC1 is on the minus strand). VCF-style: chr9-132923462-C-T. GRCh37 (hg19) VCF-style: chr9-135798849-C-T.
Other names: c.394G>A, p.Gly132Ser (NM_001406606.1, NM_001406607.1, NM_001406608.1 and 16 more transcripts); c.241G>A, p.Gly81Ser (NM_001406610.1, NM_001406611.1, NM_001406612.1 and 2 more transcripts); c.31G>A, p.Gly11Ser (NM_001406614.1, NM_001406615.1, NM_001362177.2 and 10 more transcripts); c.-484G>A (NM_001406626.1, NM_001406627.1, NM_001406628.1); c.-626G>A (NM_001406629.1); c.-700G>A (NM_001406630.1); short protein forms G11S, G132S, G81S.
Identifiers: ClinVar variation 2447870 (VCV002447870.3), dbSNP rs2539042132, ClinGen allele CA375373640.